The following is an entry in ClinVar:

ClinVar aggregate classification (germline): Uncertain significance (1 of 4 stars; one submission).

Conditions:
Hereditary cancer-predisposing syndrome. Also called: Neoplastic Syndromes, Hereditary; Tumor predisposition; Hereditary neoplastic syndrome; Hereditary Cancer Syndrome. Identifiers: Orphanet 140162, MedGen C0027672, MeSH D009386, MONDO:0015356.

Submission:

Ambry Genetics
Classification: Uncertain significance for Hereditary cancer-predisposing syndrome. Last evaluated: 2022-11-07. Review status: criteria provided, single submitter. Criteria: Ambry Variant Classification Scheme 2023. Collection method: clinical testing. Allele origin: germline.
Comment: The p.P282R variant (also known as c.845C>G), located in coding exon 2 of the AXIN2 gene, results from a C to G substitution at nucleotide position 845. The proline at codon 282 is replaced by arginine, an amino acid with dissimilar properties. This amino acid position is conserved. In addition, this alteration is predicted to be deleterious by in silico analysis. Since supporting evidence is limited at this time, the clinical significance of this alteration remains unclear.

NM_004655.4(AXIN2):c.845C>G (p.Pro282Arg)

Gene: AXIN2 (axin 2; minus strand). Cytogenetic location: 17q24.1.
Variant type: single nucleotide variant.
Coding change: c.845C>G on transcript NM_004655.4 (MANE Select); coding-DNA position 845, C replaced by G.
Protein change: p.Pro282Arg; replaces proline 282 with arginine.
Molecular consequence: missense variant.
Genome position (GRCh38, 1-based): chr17:65,549,631, G>C on the plus strand (C>G on the coding strand, the complement: AXIN2 is on the minus strand). VCF-style: chr17-65549631-G-C. GRCh37 (hg19) VCF-style: chr17-63545749-G-C.
Other names: c.845C>G, p.Pro282Arg (NM_001363813.1); short protein forms P282R.
Identifiers: ClinVar variation 2451642 (VCV002451642.2), dbSNP rs772279739, ClinGen allele CA400679652.